The following is an entry in ClinVar:

NM_001009925.2(TMEM230):c.78C>G (p.Asp26Glu)

Gene: TMEM230 (transmembrane protein 230; minus strand). Cytogenetic location: 20p12.3.
Variant type: single nucleotide variant.
Coding change: c.78C>G on transcript NM_001009925.2 (MANE Select); coding-DNA position 78, C replaced by G.
Protein change: p.Asp26Glu; replaces aspartic acid 26 with glutamic acid.
Molecular consequence: missense variant.
Genome position (GRCh38, 1-based): chr20:5,109,353, G>C on the plus strand (C>G on the coding strand, the complement: TMEM230 is on the minus strand). VCF-style: chr20-5109353-G-C. GRCh37 (hg19) VCF-style: chr20-5089999-G-C.
Other names: NM_001009923.1:c.267C>G; c.78C>G, p.Asp26Glu (NM_001009924.2, NM_001330984.2, NM_001330985.2 and 4 more transcripts); short protein forms D26E.
Identifiers: ClinVar variation 2081822 (VCV002081822.6), dbSNP rs150715254, ClinGen allele CA9753447.

ClinVar aggregate classification (germline): Uncertain significance. Review status: criteria provided, multiple submitters, no conflicts (2 of 4 stars). 2 submissions from 2 submitters: Uncertain significance (2). Last evaluated 2023-03-21.

Allele frequency attached by ClinVar (database versions not stated): gnomAD 0.00020; ESP Exome Variant Server 0.00054.
gnomAD v4.1: 52 of 1,612,678 alleles (0.0032%); highest among the groups gnomAD compares: African/African-American, 0.067%; no homozygotes.

Submissions (2):

Ambry Genetics
Classification: Uncertain significance. Last evaluated: 2023-03-21. Review status: criteria provided, single submitter. Criteria: Ambry Variant Classification Scheme 2023. Collection method: clinical testing. Allele origin: germline.

Labcorp Genetics (formerly Invitae), Labcorp
Classification: Uncertain significance. Last evaluated: 2022-05-22. Review status: criteria provided, single submitter. Criteria: Invitae Variant Classification Sherloc (09022015). Collection method: clinical testing. Allele origin: germline.
Comment: In summary, the available evidence is currently insufficient to determine the role of this variant in disease. Therefore, it has been classified as a Variant of Uncertain Significance. Algorithms developed to predict the effect of missense changes on protein structure and function are either unavailable or do not agree on the potential impact of this missense change (SIFT: "Tolerated"; PolyPhen-2: "Possibly Damaging"; Align-GVGD: "Class C0"). This variant has not been reported in the literature in individuals affected with TMEM230-related conditions. This variant is present in population databases (rs150715254, gnomAD 0.05%). This sequence change replaces aspartic acid, which is acidic and polar, with glutamic acid, which is acidic and polar, at codon 89 of the TMEM230 protein (p.Asp89Glu).